The following is an entry in ClinVar:

ClinVar aggregate classification (germline): Uncertain significance (1 of 4 stars; one submission).

Allele frequency attached by ClinVar (database versions not stated): TOPMed 0.00012; ESP Exome Variant Server 0.00009; gnomAD 0.00014.
gnomAD v4.1: 159 of 1,135,216 alleles (0.014%); highest among the groups gnomAD compares: Non-Finnish European, 0.018%; no homozygotes.

Submission:

Labcorp Genetics (formerly Invitae), Labcorp
Classification: Uncertain significance. Last evaluated: 2025-12-19. Review status: criteria provided, single submitter. Criteria: Invitae Variant Classification Sherloc (09022015). Collection method: clinical testing. Allele origin: germline.
Comment: This sequence change falls in intron 10 of the MBTPS2 gene. It does not directly change the encoded amino acid sequence of the MBTPS2 protein. This variant is present in population databases (rs372366632, gnomAD 0.009%). This variant has been observed in individual(s) with clinical features of osteogenesis imperfecta (internal data). ClinVar contains an entry for this variant (Variation ID: 3020907). Algorithms developed to predict the effect of sequence changes on RNA splicing suggest that this variant may create or strengthen a splice site. In summary, the available evidence is currently insufficient to determine the role of this variant in disease. Therefore, it has been classified as a Variant of Uncertain Significance.

NM_015884.4(MBTPS2):c.1337+15G>A

Gene: MBTPS2 (membrane bound transcription factor peptidase, site 2; plus strand). Cytogenetic location: Xp22.12.
Variant type: single nucleotide variant.
Coding change: c.1337+15G>A on transcript NM_015884.4 (MANE Select); 15 bases into the intron after coding-DNA position 1337, G replaced by A.
Molecular consequence: intron variant.
Genome position (GRCh38, 1-based): chrX:21,880,987, G>A. VCF-style: chrX-21880987-G-A. GRCh37 (hg19) VCF-style: chrX-21899105-G-A.
Identifiers: ClinVar variation 3020907 (VCV003020907.3), dbSNP rs372366632, ClinGen allele CA10367677.